The following is an entry in ClinVar:

ClinVar aggregate classification (germline): Uncertain significance (1 of 4 stars; one submission).

Conditions:
Familial thoracic aortic aneurysm and aortic dissection (TAAD). Also called: Thoracic aortic aneurysms and dissections. Identifiers: Orphanet 91387, MedGen C4707243, MONDO:0019625.

Submission:

Color Diagnostics, LLC DBA Color Health
Classification: Uncertain significance for Familial thoracic aortic aneurysm and aortic dissection. Last evaluated: 2025-10-05. Review status: criteria provided, single submitter. Criteria: ACMG Guidelines, 2015. Collection method: clinical testing. Allele origin: germline.
Comment: This missense variant replaces aspartic acid with glycine at codon 1070 of the MYH11 protein. Computational prediction is inconclusive regarding the impact of this variant on protein structure and function. To our knowledge, functional studies have not been reported for this variant. This variant has not been reported in individuals affected with MYH11-related disorders in the literature. This variant has not been identified in the general population by the Genome Aggregation Database (gnomAD). The available evidence is insufficient to determine the role of this variant in disease conclusively. Therefore, this variant is classified as a Variant of Uncertain Significance.

NM_002474.3(MYH11):c.3188A>G (p.Asp1063Gly)

Gene: MYH11 (myosin heavy chain 11; minus strand). Cytogenetic location: 16p13.11.
Variant type: single nucleotide variant.
Coding change: c.3188A>G on transcript NM_002474.3 (MANE Select); coding-DNA position 3188, A replaced by G.
Protein change: p.Asp1063Gly; replaces aspartic acid 1063 with glycine.
Molecular consequence: missense variant.
Genome position (GRCh38, 1-based): chr16:15,737,554, T>C on the plus strand (A>G on the coding strand, the complement: MYH11 is on the minus strand). VCF-style: chr16-15737554-T-C. GRCh37 (hg19) VCF-style: chr16-15831411-T-C.
Other names: c.3209A>G, p.Asp1070Gly (NM_001040113.2, NM_001040114.2); c.3188A>G, p.Asp1063Gly (NM_022844.3); short protein forms D1063G, D1070G.
Identifiers: ClinVar variation 4758174 (VCV004758174.1).